The following is an entry in ClinVar:

ClinVar aggregate classification (germline): Uncertain significance (1 of 4 stars; one submission).

Conditions:
Intellectual developmental disorder, autosomal recessive 27. Also called: Intellectual disability, autosomal recessive 27; Mental retardation, autosomal recessive 27. Identifiers: Orphanet 88616, MedGen C3280538, MONDO:0013702, OMIM 614340.

Submission:

MGZ Medical Genetics Center
Classification: Uncertain significance for Intellectual developmental disorder, autosomal recessive 27. Last evaluated: 2021-11-25. Review status: criteria provided, single submitter. Criteria: ACMG Guidelines, 2015. Collection method: clinical testing. Allele origin: germline. Affected: yes. Observed: 1 variant allele.
Comment: ACMG criteria applied: PM4, PM2_SUP

NM_001040616.3(LINS1):c.2223GTT[1] (p.Leu743del)

Gene: LINS1 (lines homolog 1; minus strand). Cytogenetic location: 15q26.3.
Variant type: Microsatellite.
Coding change: c.2223GTT[1] on transcript NM_001040616.3 (MANE Select); one copy of the 3-base unit GTT starting at c.2223; the reference has two copies in a row; one copy, 3 bases deleted; also written c.2226_2228del.
Protein change: p.Leu743del; deletes leucine 743.
Molecular consequence: inframe deletion. On other transcripts: non-coding transcript variant (3).
Genome position (GRCh38, 1-based): chr15:100,569,284-100,569,286, AAC deleted on the plus strand (GTT on the coding strand, the reverse complement: LINS1 is on the minus strand); deleting any 3 consecutive bases within chr15:100,569,284-100,569,289 gives the same sequence; the position shown is the placement nearest the transcript's 3' end. VCF-style (leftmost placement, unchanged base first): chr15-100569283-TAAC-T. GRCh37 (hg19) VCF-style: chr15-101109488-TAAC-T.
Other names: c.2226_2228del (NM_001040616.3); c.1476GTT[1], p.Leu494del (NM_001352507.2); c.2070GTT[1], p.Leu692del (NM_001352508.2); short protein forms L494del, L692del, L743del.
Identifiers: ClinVar variation 1708962 (VCV001708962.2), dbSNP rs2549193475, ClinGen allele CA2580613346.